The following is an entry in ClinVar:

NM_000540.3(RYR1):c.7426A>T (p.Ile2476Phe)

Gene: RYR1 (ryanodine receptor 1; plus strand). Cytogenetic location: 19q13.2.
Variant type: single nucleotide variant.
Coding change: c.7426A>T on transcript NM_000540.3 (MANE Select); coding-DNA position 7426, A replaced by T.
Protein change: p.Ile2476Phe; replaces isoleucine 2476 with phenylalanine.
Molecular consequence: missense variant.
Genome position (GRCh38, 1-based): chr19:38,500,708, A>T. VCF-style: chr19-38500708-A-T. GRCh37 (hg19) VCF-style: chr19-38991348-A-T.
Other names: c.7426A>T, p.Ile2476Phe (NM_001042723.2); short protein forms I2476F.
Identifiers: ClinVar variation 1709698 (VCV001709698.5), dbSNP rs867677386, ClinGen allele CA405670176.
Genomic context (GRCh38, chr19:38,500,708, plus strand): 5'-ATCCTCCGCTCCCTTGTGCCCTTGGAGGACCTTGTGGGCATCATCAGCCTCCCACTGCAG[A>T]TTCCCACCCTGGGCAAAGGTGCAGAGGGGATGGAACTTGGCGAAGGAGTGATGCTGGGGA-3'
Protein context (NP_000531.2, residues 2466-2486): LVGIISLPLQ[Ile2476Phe]PTLGKDGALV

ClinVar aggregate classification (germline): Uncertain significance. Review status: criteria provided, multiple submitters, no conflicts (2 of 4 stars). 2 submissions from 2 submitters: Uncertain significance (2). Last evaluated 2023-10-04.

Conditions:
Central core myopathy (CMYO1A). Also called: CONGENITAL MYOPATHY 1A, AUTOSOMAL DOMINANT, WITH SUSCEPTIBILITY TO MALIGNANT HYPERTHERMIA; Central core disease; Myopathy, central fibrillar. Identifiers: Orphanet 597, MedGen C5830701, MONDO:0007294, OMIM 117000.
RYR1-related disorder. Also called: RYR1-related condition; RYR1-related disorders. Identifiers: MedGen CN239331.

Allele frequency attached by ClinVar (database versions not stated): gnomAD exomes below 0.00001.
gnomAD v4.1: 2 of 1,614,046 alleles (0.00012%); highest among the groups gnomAD compares: Non-Finnish European, 0.00017%; no homozygotes.

Submissions (2):

Labcorp Genetics (formerly Invitae), Labcorp
Classification: Uncertain significance for RYR1-related disorder. Last evaluated: 2023-10-04. Review status: criteria provided, single submitter. Criteria: Invitae Variant Classification Sherloc (09022015). Collection method: clinical testing. Allele origin: germline.
Comment: This sequence change replaces isoleucine, which is neutral and non-polar, with phenylalanine, which is neutral and non-polar, at codon 2476 of the RYR1 protein (p.Ile2476Phe). This variant is not present in population databases (gnomAD no frequency). This variant has not been reported in the literature in individuals affected with RYR1-related conditions. ClinVar contains an entry for this variant (Variation ID: 1709698). Advanced modeling of protein sequence and biophysical properties (such as structural, functional, and spatial information, amino acid conservation, physicochemical variation, residue mobility, and thermodynamic stability) performed at Invitae indicates that this missense variant is not expected to disrupt RYR1 protein function. In summary, the available evidence is currently insufficient to determine the role of this variant in disease. Therefore, it has been classified as a Variant of Uncertain Significance.

MGZ Medical Genetics Center
Classification: Uncertain significance for Central core myopathy. Last evaluated: 2022-08-01. Review status: criteria provided, single submitter. Criteria: ACMG Guidelines, 2015. Collection method: clinical testing. Allele origin: germline. Affected: yes. Observed: 1 variant allele.
Comment: ACMG criteria applied: PM2_SUP, PP2, PP3